The following is an entry in ClinVar:

NM_138393.4(REEP6):c.279_280del (p.Leu94fs)

Gene: REEP6 (receptor accessory protein 6; plus strand). Cytogenetic location: 19p13.3.
Variant type: Deletion.
Coding change: c.279_280del on transcript NM_138393.4 (MANE Select); coding-DNA positions 279 to 280, 2 bases deleted (CC; older notation c.279_280delCC).
Protein change: p.Leu94fs; shifts the reading frame from leucine 94.
Molecular consequence: frameshift variant.
Genome position (GRCh38, 1-based): chr19:1,495,538-1,495,539, CC deleted; deleting any 2 consecutive bases within chr19:1,495,537-1,495,539 gives the same sequence; the c. name uses the placement nearest the transcript's 3' end. VCF-style (leftmost placement, unchanged base first): chr19-1495536-GCC-G. GRCh37 (hg19) VCF-style: chr19-1495535-GCC-G.
Other names: c.279_280del, p.Leu94fs (NM_001329556.3); short protein forms L94fs.
Identifiers: ClinVar variation 4850422 (VCV004850422.1).

ClinVar aggregate classification (germline): Pathogenic (1 of 4 stars; one submission).

Conditions:
Retinitis pigmentosa 77 (RP77). Identifiers: MedGen C4310626, MONDO:0015013, OMIM 617304.

Submission:

First Genomix Gene Laboratory, Genetic Diagnostics Department
Classification: Pathogenic for Retinitis pigmentosa 77. Last evaluated: 2025-09-22. Review status: criteria provided, single submitter. Criteria: ACMG Guidelines, 2015. Collection method: clinical testing. Allele origin: germline. Inheritance: Autosomal recessive inheritance. Affected: no. Observed: 1 variant allele.